The following is an entry in ClinVar:

NM_002473.6(MYH9):c.3196_3207del (p.Glu1066_Ala1069del)

Gene: MYH9 (myosin heavy chain 9; minus strand). Cytogenetic location: 22q12.3.
Variant type: Deletion.
Coding change: c.3196_3207del on transcript NM_002473.6 (MANE Select); coding-DNA positions 3196 to 3207, 12 bases deleted (GAGCTCCAGGCC).
Protein change: p.Glu1066_Ala1069del.
Molecular consequence: inframe deletion.
Genome position (GRCh38, 1-based): chr22:36,296,908-36,296,919, GGCCTGGAGCTC deleted on the plus strand (GAGCTCCAGGCC on the coding strand, the reverse complement: MYH9 is on the minus strand); deleting any 12 consecutive bases within chr22:36,296,908-36,296,922 gives the same sequence; the c. name uses the placement nearest the transcript's 3' end. VCF-style (leftmost placement, unchanged base first): chr22-36296907-GGGCCTGGAGCTC-G. GRCh37 (hg19) VCF-style: chr22-36692953-GGGCCTGGAGCTC-G.
Identifiers: ClinVar variation 1684481 (VCV001684481.1), dbSNP rs2146339816, ClinGen allele CA2573158098.

ClinVar aggregate classification (germline): Uncertain significance (0 of 4 stars; one submission).

Conditions:
Macrothrombocytopenia and granulocyte inclusions with or without nephritis or sensorineural hearing loss (MATINS). Also called: MYH9-Related Disease (MYH9-RD); MACROTHROMBOCYTOPENIA WITH LEUKOCYTE INCLUSIONS; BLEEDING DISORDER, PLATELET-TYPE, 6; SEBASTIAN PLATELET SYNDROME; MACROTHROMBOCYTOPENIA WITH DISPERSED LEUKOCYTIC INCLUSIONS; MACROTHROMBOCYTOPENIA, NEPHRITIS, AND DEAFNESS. Identifiers: Orphanet 182050, MedGen C5200934, MONDO:0015912, OMIM 155100.

Submission:

ISTH-SSC Genomics in Thrombosis and Hemostasis, KU Leuven, Center for Molecular and Vascular Biology
Classification: Uncertain significance for Macrothrombocytopenia and granulocyte inclusions with or without nephritis or sensorineural hearing loss. Review status: no assertion criteria provided. Collection method: clinical testing. Allele origin: unknown. Affected: yes.
Comment: Submitted to GoldVariant by Prof Kathleen Freson from Center for Molecular and Vascular Biology, Leuven, Belgium